The following is an entry in ClinVar:

NM_001365088.1(SLC12A6):c.1822_1823del (p.Arg608fs)

Gene: SLC12A6 (solute carrier family 12 member 6; minus strand). Cytogenetic location: 15q14.
Variant type: Deletion.
Coding change: c.1822_1823del on transcript NM_001365088.1 (MANE Select); coding-DNA positions 1822 to 1823, 2 bases deleted (AG; older notation c.1822_1823delAG).
Protein change: p.Arg608fs; shifts the reading frame from arginine 608.
Molecular consequence: frameshift variant.
Genome position (GRCh38, 1-based): chr15:34,245,694-34,245,695, CT deleted on the plus strand (AG on the coding strand, the reverse complement: SLC12A6 is on the minus strand); deleting any 2 consecutive bases within chr15:34,245,694-34,245,696 gives the same sequence; the c. name uses the placement nearest the transcript's 3' end. VCF-style (leftmost placement, unchanged base first): chr15-34245693-CCT-C. GRCh37 (hg19) VCF-style: chr15-34537894-CCT-C.
Other names: c.1645_1646del, p.Arg549fs (NM_001042494.2, NM_001042495.2); c.1795_1796del, p.Arg599fs (NM_001042496.2); c.1777_1778del, p.Arg593fs (NM_001042497.2); c.1669_1670del, p.Arg557fs (NM_005135.2); c.1822_1823del, p.Arg608fs (NM_133647.2); short protein forms R549fs, R557fs, R593fs, R599fs, R608fs.
Identifiers: ClinVar variation 1724008 (VCV001724008.2), dbSNP rs2509782397, ClinGen allele CA2580089266.
Genomic context (GRCh38, chr15:34,245,693, plus strand): 5'-CACACTGTTTCTCATTAAAGCTGGGAAAAAAAGAAGAGGGCATAATAAAAGGTCACTCAC[CCT>C]CAGAAACGGTATGATGTTATCCTTGGCAATAGCTTGTAGCAGCCTCGGTGCACCTGTGAG-3'

ClinVar aggregate classification (germline): Likely pathogenic (1 of 4 stars; one submission).

Conditions:
Agenesis of the corpus callosum with peripheral neuropathy (ACCPN). Also called: CHARLEVOIX DISEASE; POLYNEUROPATHY, SENSORIMOTOR, WITH OR WITHOUT AGENESIS OF THE CORPUS CALLOSUM; HMSN/ACC; Hereditary Motor and Sensory Neuropathy with Agenesis of the Corpus Callosum. Identifiers: Orphanet 1496, MedGen C0795950, MONDO:0000902, OMIM 218000. Disease mechanism: loss of function.

Submission:

Myriad Genetics, Inc.
Classification: Likely pathogenic for Agenesis of the corpus callosum with peripheral neuropathy. Last evaluated: 2022-01-23. Review status: criteria provided, single submitter. Criteria: Myriad Women's Health Autosomal Recessive and X-Linked Classification Criteria (2021). Collection method: clinical testing. Allele origin: unknown.
Comment: NM_133647.1(SLC12A6):c.1822_1823delAG(R608Gfs*110) is expected to be pathogenic in the context of Andermann syndrome. This variant is predicted to lead to an abnormal or absent protein product due to the creation of a premature termination codon in SLC12A6, a gene where loss-of-function variants are known to be pathogenic. Please note: this variant was assessed in the context of healthy population screening.